The following is an entry in ClinVar:

ClinVar aggregate classification (germline): Benign/Likely benign. Review status: criteria provided, multiple submitters, no conflicts (2 of 4 stars). 5 submissions from 5 submitters: Benign (2); Likely benign (2). 1 of the submissions does not count toward it. Last evaluated 2026-01-30.

Conditions:
IDS-related disorder. Also called: IDS-related condition.
Inborn genetic diseases. Identifiers: MedGen C0950123, MeSH D030342.
Mucopolysaccharidosis, MPS-II (MPS2). Also called: IDS deficiency; Sulfoiduronate sulfatase deficiency; SIDS deficiency; Mucopolysaccharidosis type 2; Mucopolysaccharidosis with skin involvement; Attenuated MPS (subtype; formerly known as mild MPS II). Identifiers: Orphanet 580, Orphanet 79388, MedGen C0026705, MONDO:0010674, OMIM 309900.

Allele frequency attached by ClinVar (database versions not stated): TOPMed 0.00028; gnomAD 0.00034 and 0.00035; ESP Exome Variant Server 0.00047; ExAC 0.00057; gnomAD exomes 0.00059 and 0.00069.
gnomAD v4.1: 701 of 1,209,739 alleles (0.058%); highest among the groups gnomAD compares: South Asian, 0.058%; no homozygotes.

Submissions (5):

Labcorp Genetics (formerly Invitae), Labcorp
Classification: Benign for Mucopolysaccharidosis, MPS-II. Last evaluated: 2026-01-30. Review status: criteria provided, single submitter. Criteria: Invitae Variant Classification Sherloc (09022015). Collection method: clinical testing. Allele origin: germline.

Blueprint Genetics
Classification: Likely benign. Last evaluated: 2024-09-17. Review status: criteria provided, single submitter. Criteria: ACMG Guidelines, 2015. Collection method: clinical testing. Allele origin: germline.

CeGaT Center for Human Genetics Tuebingen
Classification: Likely benign. Last evaluated: 2020-03-01. Review status: criteria provided, single submitter. Criteria: CeGaT Center For Human Genetics Tuebingen Variant Classification Criteria Version 2. Collection method: clinical testing. Allele origin: germline. Affected: yes. Observed: 1 variant allele.

Ambry Genetics
Classification: Benign for Inborn genetic diseases. Last evaluated: 2017-12-18. Review status: criteria provided, single submitter. Criteria: Ambry Variant Classification Scheme 2023. Collection method: clinical testing. Allele origin: germline.

PreventionGenetics, part of Exact Sciences
Classification: Likely benign for IDS-related condition. Last evaluated: 2019-09-17. Review status: no assertion criteria provided. Collection method: clinical testing. Allele origin: germline. Not counted in ClinVar's aggregate classification.
Comment: This variant is classified as likely benign based on ACMG/AMP sequence variant interpretation guidelines (Richards et al. 2015 PMID: 25741868, with internal and published modifications).

NM_000202.8(IDS):c.1074C>G (p.Pro358=)

Genes: IDS (iduronate 2-sulfatase; minus strand), LOC106050102 (IDS recombination region; plus strand). Cytogenetic location: Xq28.
Variant type: single nucleotide variant.
Coding change: c.1074C>G on transcript NM_000202.8 (MANE Select); coding-DNA position 1074, C replaced by G.
Protein change: p.Pro358=; no amino-acid change (proline 358 retained).
Molecular consequence: synonymous variant.
Genome position (GRCh38, 1-based): chrX:149,487,031, G>C on the plus strand (C>G on the coding strand, the complement: IDS is on the minus strand). VCF-style: chrX-149487031-G-C. GRCh37 (hg19) VCF-style: chrX-148568562-G-C.
Other names: c.804C>G, p.Pro268= (NM_001166550.4); c.1074C>G (NM_000202.7).
Identifiers: ClinVar variation 590213 (VCV000590213.55), dbSNP rs61736891, ClinGen allele CA10537504.